The following is an entry in ClinVar:

NM_001211.6(BUB1B):c.407T>C (p.Leu136Ser)

Gene: BUB1B (BUB1 mitotic checkpoint serine/threonine kinase B; plus strand). Cytogenetic location: 15q15.1.
Variant type: single nucleotide variant.
Coding change: c.407T>C on transcript NM_001211.6 (MANE Select); coding-DNA position 407, T replaced by C.
Protein change: p.Leu136Ser; replaces leucine 136 with serine.
Molecular consequence: missense variant.
Genome position (GRCh38, 1-based): chr15:40,176,499, T>C. VCF-style: chr15-40176499-T-C. GRCh37 (hg19) VCF-style: chr15-40468700-T-C.
Other names: short protein forms L136S.
Identifiers: ClinVar variation 4216918 (VCV004216918.1).

ClinVar aggregate classification (germline): Uncertain significance (1 of 4 stars; one submission).

Conditions:
Inborn genetic diseases. Identifiers: MedGen C0950123, MeSH D030342.

Submission:

Ambry Genetics
Classification: Uncertain significance for Inborn genetic diseases. Last evaluated: 2025-08-15. Review status: criteria provided, single submitter. Criteria: Ambry Variant Classification Scheme 2023. Collection method: clinical testing. Allele origin: germline.
Comment: The p.L136S variant (also known as c.407T>C), located in coding exon 5 of the BUB1B gene, results from a T to C substitution at nucleotide position 407. The leucine at codon 136 is replaced by serine, an amino acid with dissimilar properties. This amino acid position is conserved. In addition, this alteration is predicted to be deleterious by in silico analysis. Based on the available evidence, the clinical significance of this variant remains unclear.